The following is an entry in ClinVar:

ClinVar aggregate classification (germline): Uncertain significance (1 of 4 stars; one submission).

Conditions:
Charcot-Marie-Tooth disease type 2. Also called: Charcot-Marie-Tooth type 2. Identifiers: Orphanet 64746, MedGen C0270914, MONDO:0018993.

Submission:

Labcorp Genetics (formerly Invitae), Labcorp
Classification: Uncertain significance for Charcot-Marie-Tooth disease type 2. Last evaluated: 2024-02-23. Review status: criteria provided, single submitter. Criteria: Invitae Variant Classification Sherloc (09022015). Collection method: clinical testing. Allele origin: germline.
Comment: This sequence change replaces proline, which is neutral and non-polar, with serine, which is neutral and polar, at codon 362 of the AARS protein (p.Pro362Ser). This variant is not present in population databases (gnomAD no frequency). This variant has not been reported in the literature in individuals affected with AARS-related conditions. Advanced modeling of protein sequence and biophysical properties (such as structural, functional, and spatial information, amino acid conservation, physicochemical variation, residue mobility, and thermodynamic stability) performed at Invitae indicates that this missense variant is not expected to disrupt AARS protein function with a negative predictive value of 95%. In summary, the available evidence is currently insufficient to determine the role of this variant in disease. Therefore, it has been classified as a Variant of Uncertain Significance.

NM_001605.3(AARS1):c.1084C>T (p.Pro362Ser)

Gene: AARS1 (alanyl-tRNA synthetase 1; minus strand). Cytogenetic location: 16q22.1.
Variant type: single nucleotide variant.
Coding change: c.1084C>T on transcript NM_001605.3 (MANE Select); coding-DNA position 1084, C replaced by T.
Protein change: p.Pro362Ser; replaces proline 362 with serine.
Molecular consequence: missense variant.
Genome position (GRCh38, 1-based): chr16:70,267,797, G>A on the plus strand (C>T on the coding strand, the complement: AARS1 is on the minus strand). VCF-style: chr16-70267797-G-A. GRCh37 (hg19) VCF-style: chr16-70301700-G-A.
Other names: short protein forms P362S.
Identifiers: ClinVar variation 3671619 (VCV003671619.2).